The following is an entry in ClinVar:

NM_000069.3(CACNA1S):c.4672G>A (p.Gly1558Arg)

Gene: CACNA1S (calcium voltage-gated channel subunit alpha1 S; minus strand). Cytogenetic location: 1q32.1.
Variant type: single nucleotide variant.
Coding change: c.4672G>A on transcript NM_000069.3 (MANE Select); coding-DNA position 4672, G replaced by A.
Protein change: p.Gly1558Arg; replaces glycine 1558 with arginine.
Molecular consequence: missense variant.
Genome position (GRCh38, 1-based): chr1:201,044,453, C>T on the plus strand (G>A on the coding strand, the complement: CACNA1S is on the minus strand). VCF-style: chr1-201044453-C-T. GRCh37 (hg19) VCF-style: chr1-201013581-C-T.
Other names: c.4672G>A (NM_000069.2); short protein forms G1558R.
Identifiers: ClinVar variation 2070176 (VCV002070176.5), dbSNP rs144561492, ClinGen allele CA083528.

ClinVar aggregate classification (germline): Uncertain significance. Review status: criteria provided, multiple submitters, no conflicts (2 of 4 stars). 3 submissions from 3 submitters: Uncertain significance (2). 1 of the submissions does not count toward it. Last evaluated 2025-12-29.

Conditions:
Malignant hyperthermia, susceptibility to, 5 (MHS5). Also called: CACNA1S-Related Malignant Hyperthermia Susceptibility. Identifiers: Orphanet 423, MedGen C1866077, MONDO:0011163, OMIM 601887.
Hypokalemic periodic paralysis, type 1. Also called: HypoPP; Hypokalemic Periodic Paralysis Type 1 (AD). Identifiers: Orphanet 681, MedGen C3714580, MONDO:0042979, OMIM 170400.
CACNA1S-related disorder. Also called: CACNA1S-related condition.

Allele frequency attached by ClinVar (database versions not stated): ExAC 0.00001; TOPMed 0.00002; gnomAD 0.00003; gnomAD exomes 0.00003; ESP Exome Variant Server 0.00008.
gnomAD v4.1: 52 of 1,612,378 alleles (0.0032%); highest among the groups gnomAD compares: Non-Finnish European, 0.0042%; 1 homozygote.

Submissions (3):

Labcorp Genetics (formerly Invitae), Labcorp
Classification: Uncertain significance for Hypokalemic periodic paralysis, type 1; Malignant hyperthermia, susceptibility to, 5. Last evaluated: 2025-12-29. Review status: criteria provided, single submitter. Criteria: Invitae Variant Classification Sherloc (09022015). Collection method: clinical testing. Allele origin: germline.
Comment: This sequence change replaces glycine, which is neutral and non-polar, with arginine, which is basic and polar, at codon 1558 of the CACNA1S protein (p.Gly1558Arg). This variant is present in population databases (rs144561492, gnomAD 0.0009%). This variant has not been reported in the literature in individuals affected with CACNA1S-related conditions. ClinVar contains an entry for this variant (Variation ID: 2070176). Invitae Evidence Modeling of protein sequence and biophysical properties (such as structural, functional, and spatial information, amino acid conservation, physicochemical variation, residue mobility, and thermodynamic stability) has been performed for this missense variant. However, the output from this modeling did not meet the statistical confidence thresholds required to predict the impact of this variant on CACNA1S protein function. In summary, the available evidence is currently insufficient to determine the role of this variant in disease. Therefore, it has been classified as a Variant of Uncertain Significance.

Color Diagnostics, LLC DBA Color Health
Classification: Uncertain significance for Malignant hyperthermia, susceptibility to, 5. Last evaluated: 2024-04-24. Review status: criteria provided, single submitter. Criteria: ACMG Guidelines, 2015. Collection method: clinical testing. Allele origin: germline.
Comment: This missense variant replaces glycine with arginine at codon 1558 of the CACNA1S protein. Computational prediction suggests that this variant may have deleterious impact on protein structure and function. To our knowledge, functional studies have not been reported for this variant. This variant has not been reported in individuals affected with CACNA1S-related disorders in the literature. This variant has been identified in 2/250398 chromosomes in the general population by the Genome Aggregation Database (gnomAD). The available evidence is insufficient to determine the role of this variant in disease conclusively. Therefore, this variant is classified as a Variant of Uncertain Significance.

PreventionGenetics, part of Exact Sciences
Classification: Uncertain significance for CACNA1S-related condition. Last evaluated: 2024-02-19. Review status: no assertion criteria provided. Collection method: clinical testing. Allele origin: germline. Not counted in ClinVar's aggregate classification.
Comment: The CACNA1S c.4672G>A variant is predicted to result in the amino acid substitution p.Gly1558Arg. To our knowledge, this variant has not been reported in the literature. This variant is reported in 0.0018% of alleles in individuals of European (Non-Finnish) descent in gnomAD. At this time, the clinical significance of this variant is uncertain due to the absence of conclusive functional and genetic evidence.